The following is an entry in ClinVar:

ClinVar aggregate classification (germline): Uncertain significance (1 of 4 stars; one submission).

gnomAD v4.1: 6 of 1,551,690 alleles (0.00039%); highest among the groups gnomAD compares: Non-Finnish European, 0.00052%; no homozygotes.

Submission:

Women's Health and Genetics/Laboratory Corporation of America, LabCorp
Classification: Uncertain significance. Last evaluated: 2025-11-20. Review status: criteria provided, single submitter. Criteria: LabCorp Variant Classification Summary - May 2015. Collection method: clinical testing. Allele origin: germline.
Comment: Variant summary: LOXHD1 c.3596T>C (p.Leu1199Pro) results in a non-conservative amino acid change in the encoded protein sequence. Algorithms developed to predict the effect of missense changes on protein structure and function all suggest that this variant is likely to be disruptive. The variant was absent in 159576 control chromosomes. The available data on variant occurrences in the general population are insufficient to allow any conclusion about variant significance. c.3596T>C has been observed in the presumed compound heterozygous state in at least 1 individual(s) affected with clinical features of Nonsyndromic Hearing Loss And Deafness, Type 77 (example, Sloan-Heggen_2016). These data do not allow any conclusion about variant significance. To our knowledge, no experimental evidence demonstrating an impact on protein function has been reported. The following publications have been ascertained in the context of this evaluation (PMID: 29676012, 33062705, 31709873, 33753533, 35711932, 32149082, 33892339, 31547530, 26969326). No submitters have cited clinical-significance assessments for this variant to ClinVar. Based on the evidence outlined above, the variant was classified as uncertain significance.

Literature cited by the submitters: PubMed 26969326; PubMed 29676012; PubMed 33892339; PubMed 35711932; PubMed 33753533; PubMed 31547530; PubMed 33062705; PubMed 31709873; PubMed 32149082.

NM_001384474.1(LOXHD1):c.3596T>C (p.Leu1199Pro)

Gene: LOXHD1 (lipoxygenase homology PLAT domains 1; minus strand). Cytogenetic location: 18q21.1.
Variant type: single nucleotide variant.
Coding change: c.3596T>C on transcript NM_001384474.1 (MANE Select); coding-DNA position 3596, T replaced by C.
Protein change: p.Leu1199Pro; replaces leucine 1199 with proline.
Molecular consequence: missense variant. On other transcripts: 5 prime UTR variant (1).
Genome position (GRCh38, 1-based): chr18:46,545,340, A>G on the plus strand (T>C on the coding strand, the complement: LOXHD1 is on the minus strand). VCF-style: chr18-46545340-A-G. GRCh37 (hg19) VCF-style: chr18-44125303-A-G.
Other names: c.263T>C, p.Leu88Pro (NM_001145472.3); c.-26T>C (NM_001308013.2); c.3596T>C, p.Leu1199Pro (NM_144612.7); short protein forms L1199P, L88P.
Identifiers: ClinVar variation 4537281 (VCV004537281.1).